The following is an entry in ClinVar:

ClinVar aggregate classification (germline): Benign/Likely benign. Review status: criteria provided, multiple submitters, no conflicts (2 of 4 stars). 2 submissions from 2 submitters: Benign (1); Likely benign (1). Last evaluated 2025-01-10.

Conditions:
Familial cancer of breast. Also called: BREAST CANCER, FAMILIAL; hereditary breast carcinoma; Hereditary breast cancer. Identifiers: Orphanet 227535, MedGen C0346153, MONDO:0016419, OMIM 114480. Disease mechanism: loss of function.
Hereditary cancer-predisposing syndrome. Also called: Neoplastic Syndromes, Hereditary; Tumor predisposition; Hereditary Cancer Syndrome; Hereditary neoplastic syndrome. Identifiers: Orphanet 140162, MedGen C0027672, MeSH D009386, MONDO:0015356.

Allele frequency attached by ClinVar (database versions not stated): gnomAD exomes below 0.00001; ExAC 0.00001.

Submissions (2):

Myriad Genetics, Inc.
Classification: Benign for Familial cancer of breast. Last evaluated: 2025-01-10. Review status: criteria provided, single submitter. Criteria: Myriad Autosomal Dominant, Autosomal Recessive and X-Linked Classification Criteria (2023). Collection method: clinical testing. Allele origin: unknown.
Comment: This variant is considered benign. This variant is a silent/synonymous amino acid change and it is not expected to impact splicing.

Ambry Genetics
Classification: Likely benign for Hereditary cancer-predisposing syndrome. Last evaluated: 2015-04-05. Review status: criteria provided, single submitter. Criteria: Ambry Variant Classification Scheme 2023. Collection method: clinical testing. Allele origin: germline.

NM_024675.4(PALB2):c.870G>A (p.Glu290=)

Gene: PALB2 (partner and localizer of BRCA2; minus strand). Cytogenetic location: 16p12.2.
Variant type: single nucleotide variant.
Coding change: c.870G>A on transcript NM_024675.4 (MANE Select); coding-DNA position 870, G replaced by A.
Protein change: p.Glu290=; no amino-acid change (glutamic acid 290 retained).
Molecular consequence: synonymous variant.
Genome position (GRCh38, 1-based): chr16:23,635,676, C>T on the plus strand (G>A on the coding strand, the complement: PALB2 is on the minus strand). VCF-style: chr16-23635676-C-T. GRCh37 (hg19) VCF-style: chr16-23646997-C-T.
Identifiers: ClinVar variation 230954 (VCV000230954.6), dbSNP rs761771287, ClinGen allele CA7963751.